The following is an entry in ClinVar:

NM_153603.4(COG7):c.1890C>A (p.Ile630=)

Gene: COG7 (component of oligomeric golgi complex 7; minus strand). Cytogenetic location: 16p12.2.
Variant type: single nucleotide variant.
Coding change: c.1890C>A on transcript NM_153603.4 (MANE Select); coding-DNA position 1890, C replaced by A.
Protein change: p.Ile630=; no amino-acid change (isoleucine 630 retained).
Molecular consequence: synonymous variant.
Genome position (GRCh38, 1-based): chr16:23,393,345, G>T on the plus strand (C>A on the coding strand, the complement: COG7 is on the minus strand). VCF-style: chr16-23393345-G-T. GRCh37 (hg19) VCF-style: chr16-23404666-G-T.
Identifiers: ClinVar variation 318466 (VCV000318466.11), dbSNP rs199904223, ClinGen allele CA10648122.

ClinVar aggregate classification (germline): Conflicting classifications of pathogenicity. Review status: criteria provided, conflicting classifications (1 of 4 stars). 4 submissions from 4 submitters: Uncertain significance (2); Likely benign (2). Last evaluated 2026-03-03.

Conditions:
COG7-related disorder. Also called: COG7-related condition.
COG7 congenital disorder of glycosylation (CDG2E). Also called: CDG IIe; CONGENITAL DISORDER OF GLYCOSYLATION, TYPE IIe. Identifiers: Orphanet 79333, MedGen C2931010, MONDO:0012118, OMIM 608779.

Allele frequency attached by ClinVar (database versions not stated): TOPMed 0.00002.
gnomAD v4.1: 48 of 1,609,250 alleles (0.003%); highest among the groups gnomAD compares: Non-Finnish European, 0.004%; no homozygotes.

Submissions (6):

PreventionGenetics, part of Exact Sciences
Classification: Uncertain significance for COG7-related condition. Last evaluated: 2026-03-03. Review status: criteria provided, single submitter. Criteria: ACMG Guidelines, 2015. Collection method: clinical testing. Allele origin: germline.
Comment: The COG7 c.1890C>A variant is not predicted to result in an amino acid change (p.=). This variant is predicted to impact splicing based on a splicing prediction program (SpliceAI, Jaganathan K, et al. 2019. PubMed ID: 30661751). To our knowledge, this variant has not been reported in the literature. This variant is reported in 0.00088% of alleles in individuals of European (Non-Finnish) descent in gnomAD. At this time, the clinical significance of this variant is uncertain due to the absence of conclusive functional and genetic evidence.

Labcorp Genetics (formerly Invitae), Labcorp
Classification: Likely benign for COG7 congenital disorder of glycosylation. Last evaluated: 2025-12-19. Review status: criteria provided, single submitter. Criteria: Invitae Variant Classification Sherloc (09022015). Collection method: clinical testing. Allele origin: germline.

Illumina Laboratory Services, Illumina
Classification: Uncertain significance for COG7 congenital disorder of glycosylation. Last evaluated: 2018-01-13. Review status: criteria provided, single submitter. Criteria: ICSL Variant Classification Criteria 13 December 2019. Collection method: clinical testing. Allele origin: germline.

GeneDx
Classification: Likely benign. Last evaluated: 2017-02-06. Review status: criteria provided, single submitter. Criteria: GeneDx Variant Classification (06012015). Collection method: clinical testing. Allele origin: germline. Affected: yes.
Comment: This variant is considered likely benign or benign based on one or more of the following criteria: it is a conservative change, it occurs at a poorly conserved position in the protein, it is predicted to be benign by multiple in silico algorithms, and/or has population frequency not consistent with disease.

Dr. Peter K. Rogan Lab, Western University
No classification provided (evidence only). Condition: Acute myeloid leukemia. Review status: no classification provided. Collection method: in vitro. Allele origin: not applicable. Functional consequence: skipped exon, retained intron. Not counted in ClinVar's aggregate classification.

Dr. Peter K. Rogan Lab, Western University
No classification provided (evidence only). Condition: Ovarian serous cystadenocarcinoma. Review status: no classification provided. Collection method: in vitro. Allele origin: not applicable. Functional consequence: retained intron. Not counted in ClinVar's aggregate classification.